The following is an entry in ClinVar:

NM_177438.3(DICER1):c.4656G>C (p.Gln1552His)

Gene: DICER1 (dicer 1, ribonuclease III; minus strand). Cytogenetic location: 14q32.13.
Variant type: single nucleotide variant.
Coding change: c.4656G>C on transcript NM_177438.3 (MANE Select); coding-DNA position 4656, G replaced by C.
Protein change: p.Gln1552His; replaces glutamine 1552 with histidine.
Molecular consequence: missense variant. On other transcripts: non-coding transcript variant (6).
Genome position (GRCh38, 1-based): chr14:95,096,264, C>G on the plus strand (G>C on the coding strand, the complement: DICER1 is on the minus strand). VCF-style: chr14-95096264-C-G. GRCh37 (hg19) VCF-style: chr14-95562601-C-G.
Other names: c.4656G>C, p.Gln1552His (NM_001195573.1, NM_001271282.3, NM_001291628.2 and 12 more transcripts); c.4374G>C, p.Gln1458His (NM_001395686.1); c.4251G>C, p.Gln1417His (NM_001395687.1, NM_001395688.1, NM_001395689.1 and 2 more transcripts); c.4089G>C, p.Gln1363His (NM_001395691.1); c.2973G>C, p.Gln991His (NM_001395697.1); short protein forms Q1363H, Q1417H, Q1458H, Q1552H, Q991H.
Identifiers: ClinVar variation 3359596 (VCV003359596.1).

ClinVar aggregate classification (germline): Uncertain significance (1 of 4 stars; one submission).

gnomAD v4.1: 1 of 1,614,232 alleles (0.000062%); no homozygotes.

Submission:

GeneDx
Classification: Uncertain significance. Last evaluated: 2023-06-05. Review status: criteria provided, single submitter. Criteria: GeneDx Variant Classification Process June 2021. Collection method: clinical testing. Allele origin: germline. Affected: yes.
Comment: Not observed at significant frequency in large population cohorts (gnomAD); In silico analysis supports that this missense variant does not alter protein structure/function; Has not been previously published as pathogenic or benign to our knowledge